The following is an entry in ClinVar:

NM_023036.6(DNAI2):c.467+5C>T

Gene: DNAI2 (dynein axonemal intermediate chain 2; plus strand). Cytogenetic location: 17q25.1.
Variant type: single nucleotide variant.
Coding change: c.467+5C>T on transcript NM_023036.6 (MANE Select); 5 bases into the intron after coding-DNA position 467, C replaced by T.
Molecular consequence: intron variant.
Genome position (GRCh38, 1-based): chr17:74,287,103, C>T. VCF-style: chr17-74287103-C-T. GRCh37 (hg19) VCF-style: chr17-72283242-C-T.
Other names: c.467+5C>T (NM_001353167.2, NM_001172810.3).
Identifiers: ClinVar variation 408966 (VCV000408966.5), dbSNP rs529401265, ClinGen allele CA8745362.

ClinVar aggregate classification (germline): Uncertain significance. Review status: criteria provided, multiple submitters, no conflicts (2 of 4 stars). 3 submissions from 3 submitters: Uncertain significance (2). 1 of the submissions does not count toward it. Last evaluated 2016-09-04.

Conditions:
Primary ciliary dyskinesia. Also called: Ciliary dyskinesia. Identifiers: Orphanet 244, MedGen C0008780, MONDO:0016575, HP:0012265.

Allele frequency attached by ClinVar (database versions not stated): gnomAD 0.00001; TOPMed 0.00002; 1000 Genomes Project 30x 0.00016; 1000 Genomes Project 0.00020.
gnomAD v4.1: 18 of 1,613,656 alleles (0.0011%); highest among the groups gnomAD compares: Admixed American, 0.0083%; no homozygotes.

Submissions (3):

Labcorp Genetics (formerly Invitae), Labcorp
Classification: Uncertain significance for Primary ciliary dyskinesia. Last evaluated: 2016-09-04. Review status: criteria provided, single submitter. Criteria: Invitae Variant Classification Sherloc (09022015). Collection method: clinical testing. Allele origin: germline.
Comment: This sequence change falls in intron 4 of the DNAI2 gene. It does not directly change the encoded amino acid sequence of the DNAI2 protein. This variant is present in population databases (rs529401265, ExAC 0.002%) but has not been reported in the literature in individuals with a DNAI2-related disease. Nucleotide substitutions within the consensus splice site are relatively common causes of aberrant splicing (PMID: 17576681, 9536098). Algorithms developed to predict the effect of nucleotide changes on RNA splicing suggest that this variant may alter RNA splicing, but this prediction has not been confirmed by published transcriptional studies. In summary, this is a rare intronic change with uncertain impact on splicing. It has been classified as a Variant of Uncertain Significance.

Ambry Genetics
Classification: Uncertain significance for Primary ciliary dyskinesia. Last evaluated: 2014-08-08. Review status: criteria provided, single submitter. Criteria: Ambry Variant Classification Scheme 2023. Collection method: clinical testing. Allele origin: germline.
Comment: The c.467+5C>T intronic variant results from a C to T substitution 5 nucleotides after coding exon 3 in the DNAI2 gene. This variant was not reported in population based cohorts in the following databases: Database of Single Nucleotide Polymorphisms (dbSNP), NHLBI Exome Sequencing Project (ESP), and 1000 Genomes Project. In the ESP, this variant was not observed in 6503 samples (13006 alleles) with coverage at this position. This nucleotide position is not well conserved in available vertebrate species on limited alignment. In addition, T is the reference nucleotide in four species. Using the BDGP and ESEfinder splice site prediction tools, this alteration is not predicted to have any significant effect on this donor splice site; however, direct evidence is unavailable. Since supporting evidence is limited at this time, the clinical significance of this variant remains unclear.

Natera, Inc.
Classification: Uncertain significance for Primary ciliary dyskinesia. Last evaluated: 2019-11-11. Review status: no assertion criteria provided. Collection method: clinical testing. Allele origin: germline. Not counted in ClinVar's aggregate classification.

Literature cited by the submitters: PubMed 17576681 (cited by Labcorp Genetics (formerly Invitae), Labcorp); PubMed 9536098 (cited by Labcorp Genetics (formerly Invitae), Labcorp).